The following is an entry in ClinVar:

NM_001199107.2(TBC1D24):c.1244G>T (p.Arg415Ile)

Gene: TBC1D24 (TBC1 domain family member 24; plus strand). Cytogenetic location: 16p13.3.
Variant type: single nucleotide variant.
Coding change: c.1244G>T on transcript NM_001199107.2 (MANE Select); coding-DNA position 1244, G replaced by T.
Protein change: p.Arg415Ile; replaces arginine 415 with isoleucine.
Molecular consequence: missense variant.
Genome position (GRCh38, 1-based): chr16:2,499,872, G>T. VCF-style: chr16-2499872-G-T. GRCh37 (hg19) VCF-style: chr16-2549873-G-T.
Other names: c.1226G>T, p.Arg409Ile (NM_020705.3); short protein forms R409I, R415I.
Identifiers: ClinVar variation 4812443 (VCV004812443.1).

ClinVar aggregate classification (germline): Uncertain significance (1 of 4 stars; one submission).

Conditions:
Autosomal dominant nonsyndromic hearing loss 65. Also called: Deafness, autosomal dominant 65; TBC1D24-Related Autosomal Dominant Nonsyndromic Hearing Loss (DFNA). Identifiers: Orphanet 90635, MedGen C3892048, MONDO:0014470, OMIM 616044.
Developmental and epileptic encephalopathy, 1 (DEE1). Also called: INFANTILE SPASM SYNDROME, X-LINKED 1; X-linked infantile spasms; West's syndrome; Tonic spasms with clustering, arrest of psychomotor development and hypsarrhythmia on EEG; X-Linked Infantile Spasm Syndrome; OHTAHARA SYNDROME, X-LINKED. Identifiers: MedGen C3463992, MONDO:0010632, OMIM 308350. Disease mechanism: loss of function.

Submission:

Labcorp Genetics (formerly Invitae), Labcorp
Classification: Uncertain significance for Developmental and epileptic encephalopathy, 1; Autosomal dominant nonsyndromic hearing loss 65. Last evaluated: 2025-12-01. Review status: criteria provided, single submitter. Criteria: Invitae Variant Classification Sherloc (09022015). Collection method: clinical testing. Allele origin: germline.
Comment: This sequence change replaces arginine, which is basic and polar, with isoleucine, which is neutral and non-polar, at codon 415 of the TBC1D24 protein (p.Arg415Ile). This variant is not present in population databases (gnomAD no frequency). This variant has not been reported in the literature in individuals affected with TBC1D24-related conditions. Invitae Evidence Modeling of protein sequence and biophysical properties (such as structural, functional, and spatial information, amino acid conservation, physicochemical variation, residue mobility, and thermodynamic stability) indicates that this missense variant is expected to disrupt TBC1D24 protein function with a positive predictive value of 95%. In summary, the available evidence is currently insufficient to determine the role of this variant in disease. Therefore, it has been classified as a Variant of Uncertain Significance.